The following is an entry in ClinVar:

ClinVar aggregate classification (germline): Uncertain significance. Review status: criteria provided, multiple submitters, no conflicts (2 of 4 stars). 2 submissions from 2 submitters: Uncertain significance (2). Last evaluated 2024-11-13.

Conditions:
Left ventricular noncompaction 8 (LVNC8). Identifiers: Orphanet 154, Orphanet 54260, MedGen C3809288, MONDO:0014152, OMIM 615373.

Allele frequency attached by ClinVar (database versions not stated): ESP Exome Variant Server 0.00008.
gnomAD v4.1: 27 of 1,611,790 alleles (0.0017%); highest among the groups gnomAD compares: East Asian, 0.0067%; no homozygotes.

Submissions (2):

Labcorp Genetics (formerly Invitae), Labcorp
Classification: Uncertain significance for Left ventricular noncompaction 8. Last evaluated: 2024-11-13. Review status: criteria provided, single submitter. Criteria: Invitae Variant Classification Sherloc (09022015). Collection method: clinical testing. Allele origin: germline.
Comment: This sequence change replaces proline, which is neutral and non-polar, with leucine, which is neutral and non-polar, at codon 493 of the PRDM16 protein (p.Pro493Leu). This variant is present in population databases (rs368384353, gnomAD 0.02%). This variant has not been reported in the literature in individuals affected with PRDM16-related conditions. ClinVar contains an entry for this variant (Variation ID: 1447141). An algorithm developed to predict the effect of missense changes on protein structure and function (PolyPhen-2) suggests that this variant is likely to be disruptive. In summary, the available evidence is currently insufficient to determine the role of this variant in disease. Therefore, it has been classified as a Variant of Uncertain Significance.

Women's Health and Genetics/Laboratory Corporation of America, LabCorp
Classification: Uncertain significance. Last evaluated: 2024-10-27. Review status: criteria provided, single submitter. Criteria: LabCorp Variant Classification Summary - May 2015. Collection method: clinical testing. Allele origin: germline.

NM_022114.4(PRDM16):c.1478C>T (p.Pro493Leu)

Gene: PRDM16 (PR/SET domain 16; plus strand). Cytogenetic location: 1p36.32.
Variant type: single nucleotide variant.
Coding change: c.1478C>T on transcript NM_022114.4 (MANE Select); coding-DNA position 1478, C replaced by T.
Protein change: p.Pro493Leu; replaces proline 493 with leucine.
Molecular consequence: missense variant.
Genome position (GRCh38, 1-based): chr1:3,411,675, C>T. VCF-style: chr1-3411675-C-T. GRCh37 (hg19) VCF-style: chr1-3328239-C-T.
Other names: c.1478C>T, p.Pro493Leu (NM_199454.3); short protein forms P493L.
Identifiers: ClinVar variation 1447141 (VCV001447141.7), dbSNP rs368384353, ClinGen allele CA544200.
Genomic context (GRCh38, chr1:3,411,675, plus strand): 5'-AACCCTCCCCCAGCCTCAATCACGCCAGCCTGGGCTTCAACGAGTACTTTCCCTCCAGGC[C>T]GCACCCGGGGAGCCTGCCCTTCTCCACGGCGCCTCCCACGTTCCCCGCACTCACCCCCGG-3'
Protein context (NP_071397.3, residues 483-503): LGFNEYFPSR[Pro493Leu]HPGSLPFSTA